The following is an entry in ClinVar:

NM_001365088.1(SLC12A6):c.526A>T (p.Lys176Ter)

Gene: SLC12A6 (solute carrier family 12 member 6; minus strand). Cytogenetic location: 15q14.
Variant type: single nucleotide variant.
Coding change: c.526A>T on transcript NM_001365088.1 (MANE Select); coding-DNA position 526, A replaced by T.
Protein change: p.Lys176Ter; replaces lysine 176 with a stop codon.
Molecular consequence: nonsense.
Genome position (GRCh38, 1-based): chr15:34,258,830, T>A on the plus strand (A>T on the coding strand, the complement: SLC12A6 is on the minus strand). VCF-style: chr15-34258830-T-A. GRCh37 (hg19) VCF-style: chr15-34551031-T-A.
Other names: c.349A>T, p.Lys117Ter (NM_001042494.2, NM_001042495.2); c.499A>T, p.Lys167Ter (NM_001042496.2); c.481A>T, p.Lys161Ter (NM_001042497.2); c.373A>T, p.Lys125Ter (NM_005135.2); c.526A>T, p.Lys176Ter (NM_133647.2); short protein forms K117*, K125*, K161*, K167*, K176*.
Identifiers: ClinVar variation 1726229 (VCV001726229.2), dbSNP rs2509837404, ClinGen allele CA391613388.

ClinVar aggregate classification (germline): Likely pathogenic (1 of 4 stars; one submission).

Conditions:
Agenesis of the corpus callosum with peripheral neuropathy (ACCPN). Also called: CHARLEVOIX DISEASE; POLYNEUROPATHY, SENSORIMOTOR, WITH OR WITHOUT AGENESIS OF THE CORPUS CALLOSUM; HMSN/ACC; Hereditary Motor and Sensory Neuropathy with Agenesis of the Corpus Callosum. Identifiers: Orphanet 1496, MedGen C0795950, MONDO:0000902, OMIM 218000. Disease mechanism: loss of function.

Submission:

Myriad Genetics, Inc.
Classification: Likely pathogenic for Agenesis of the corpus callosum with peripheral neuropathy. Last evaluated: 2022-05-28. Review status: criteria provided, single submitter. Criteria: Myriad Women's Health Autosomal Recessive and X-Linked Classification Criteria (2021). Collection method: clinical testing. Allele origin: unknown.
Comment: NM_133647.1(SLC12A6):c.526A>T(K176*) is expected to be pathogenic in the context of Andermann syndrome. This variant is predicted to lead to an abnormal or absent protein product due to the creation of a premature termination codon in SLC12A6, a gene where loss-of-function variants are known to be pathogenic. Please note: this variant was assessed in the context of healthy population screening.